The following is an entry in ClinVar:

ClinVar aggregate classification (germline): Conflicting classifications of pathogenicity. Review status: criteria provided, conflicting classifications (1 of 4 stars). 16 submissions from 10 submitters: Uncertain significance (1); Benign (7); Likely benign (8). Last evaluated 2025-11-27.

Conditions:
Geleophysic dysplasia. Identifiers: Orphanet 2623, MedGen C3489726, MONDO:0000127.
Weill-Marchesani syndrome. Also called: WM Syndrome; Mesodermal dysmorphodystrophy congenital. Identifiers: Orphanet 3449, MedGen C0265313, MONDO:0018096.
Familial thoracic aortic aneurysm and aortic dissection (TAAD). Also called: Thoracic aortic aneurysms and dissections. Identifiers: Orphanet 91387, MedGen C4707243, MONDO:0019625.
Marfan syndrome (MFS). Also called: Marfan syndrome type 1; Marfan's syndrome; Marfan syndrome, classic; MARFAN SYNDROME, TYPE I; FBN1-Related Marfan Syndrome. Identifiers: Orphanet 284963, Orphanet 558, MedGen C0024796, MONDO:0007947, OMIM 154700.
Acromicric dysplasia (ACMICD). Also called: Acromicric skeletal dysplasia. Identifiers: Orphanet 969, MedGen C0265287, MONDO:0007055, OMIM 102370.
Ectopia lentis 1, isolated, autosomal dominant (ECTOL1). Identifiers: Orphanet 1885, MedGen C3541518, MONDO:0007514, OMIM 129600.
Stiff skin syndrome (SSKS). Identifiers: Orphanet 2833, MedGen C1861456, MONDO:0008492, OMIM 184900.

Allele frequency attached by ClinVar (database versions not stated): gnomAD below 0.00001 and 0.00013; TOPMed 0.00002; gnomAD exomes 0.00015 and 0.00026; ExAC 0.00036; 1000 Genomes Project 30x 0.00203; 1000 Genomes Project 0.00220.
gnomAD v4.1: 237 of 1,614,234 alleles (0.015%); highest among the groups gnomAD compares: South Asian, 0.25%; 4 homozygotes.

Submissions (16):

Labcorp Genetics (formerly Invitae), Labcorp
Classification: Likely benign for Marfan syndrome; Familial thoracic aortic aneurysm and aortic dissection. Last evaluated: 2025-11-27. Review status: criteria provided, single submitter. Criteria: Invitae Variant Classification Sherloc (09022015). Collection method: clinical testing. Allele origin: germline.

ARUP Laboratories, Molecular Genetics and Genomics, ARUP Laboratories
Classification: Likely benign. Last evaluated: 2025-05-29. Review status: criteria provided, single submitter. Criteria: ARUP Molecular Germline Variant Investigation Process 2024. Collection method: clinical testing. Allele origin: germline.

All of Us Research Program, National Institutes of Health
Classification: Likely benign for Marfan syndrome. Last evaluated: 2024-10-01. Review status: criteria provided, single submitter. Criteria: ACMG Guidelines, 2015. Collection method: clinical testing. Allele origin: germline. Inheritance: Autosomal dominant inheritance. Observed: 20 variant alleles, 20 heterozygotes.
Comment: This study involves interpretation of variants in research participants for the purpose of population health screening. Participant phenotype was not available at the time of variant classification. Additional details can be found in publication PMID: 35346344, PMCID: PMC8962531

Blueprint Genetics
Classification: Likely benign. Last evaluated: 2024-05-14. Review status: criteria provided, single submitter. Criteria: ACMG Guidelines, 2015. Collection method: clinical testing. Allele origin: germline.

Ambry Genetics
Classification: Benign for Familial thoracic aortic aneurysm and aortic dissection. Last evaluated: 2023-08-16. Review status: criteria provided, single submitter. Criteria: Ambry Variant Classification Scheme 2023. Collection method: clinical testing. Allele origin: germline.

CeGaT Center for Human Genetics Tuebingen
Classification: Likely benign. Last evaluated: 2023-01-01. Review status: criteria provided, single submitter. Criteria: CeGaT Center For Human Genetics Tuebingen Variant Classification Criteria Version 2. Collection method: clinical testing. Allele origin: germline. Affected: yes. Observed: 1 variant allele.
Comment: FBN1: PP2, BP4, BS1

Color Diagnostics, LLC DBA Color Health
Classification: Likely benign for Familial thoracic aortic aneurysm and aortic dissection. Last evaluated: 2018-11-03. Review status: criteria provided, single submitter. Criteria: ACMG Guidelines, 2015. Collection method: clinical testing. Allele origin: germline.

Illumina Laboratory Services, Illumina
Classification: Benign for Stiff skin syndrome. Last evaluated: 2018-01-13. Review status: criteria provided, single submitter. Criteria: ICSL Variant Classification Criteria 13 December 2019. Collection method: clinical testing. Allele origin: germline.
Comment: This variant was observed in the ICSL laboratory as part of a predisposition screen in an ostensibly healthy population. It had not been previously curated by ICSL or reported in the Human Gene Mutation Database (HGMD: prior to June 1st, 2018), and was therefore a candidate for classification through an automated scoring system. Utilizing variant allele frequency, disease prevalence and penetrance estimates, and inheritance mode, an automated score was calculated to assess if this variant is too frequent to cause the disease. Based on the score and internal cut-off values, a variant classified as benign is not then subjected to further curation. The score for this variant resulted in a classification of benign for this disease.

Illumina Laboratory Services, Illumina
Classification: Uncertain significance for Familial thoracic aortic aneurysm and aortic dissection. Last evaluated: 2018-01-13. Review status: criteria provided, single submitter. Criteria: ICSL Variant Classification Criteria 13 December 2019. Collection method: clinical testing. Allele origin: germline.

Illumina Laboratory Services, Illumina
Classification: Benign for Ectopia lentis 1, isolated, autosomal dominant. Last evaluated: 2018-01-13. Review status: criteria provided, single submitter. Criteria: ICSL Variant Classification Criteria 13 December 2019. Collection method: clinical testing. Allele origin: germline.
Comment: the same text as in the submission from Illumina Laboratory Services, Illumina above.

Illumina Laboratory Services, Illumina
Classification: Benign for Acromicric dysplasia. Last evaluated: 2018-01-13. Review status: criteria provided, single submitter. Criteria: ICSL Variant Classification Criteria 13 December 2019. Collection method: clinical testing. Allele origin: germline.
Comment: the same text as in the submission from Illumina Laboratory Services, Illumina above.

Illumina Laboratory Services, Illumina
Classification: Benign for Weill-Marchesani syndrome. Last evaluated: 2018-01-13. Review status: criteria provided, single submitter. Criteria: ICSL Variant Classification Criteria 13 December 2019. Collection method: clinical testing. Allele origin: germline.
Comment: the same text as in the submission from Illumina Laboratory Services, Illumina above.

Illumina Laboratory Services, Illumina
Classification: Benign for Marfan syndrome. Last evaluated: 2018-01-13. Review status: criteria provided, single submitter. Criteria: ICSL Variant Classification Criteria 13 December 2019. Collection method: clinical testing. Allele origin: germline.
Comment: the same text as in the submission from Illumina Laboratory Services, Illumina above.

Illumina Laboratory Services, Illumina
Classification: Benign for Geleophysic dysplasia. Last evaluated: 2018-01-13. Review status: criteria provided, single submitter. Criteria: ICSL Variant Classification Criteria 13 December 2019. Collection method: clinical testing. Allele origin: germline.
Comment: the same text as in the submission from Illumina Laboratory Services, Illumina above.

CHEO Genetics Diagnostic Laboratory, Children's Hospital of Eastern Ontario
Classification: Likely benign for Familial thoracic aortic aneurysm and aortic dissection. Last evaluated: 2017-06-16. Review status: criteria provided, single submitter. Criteria: ACMG Guidelines, 2015. Collection method: clinical testing. Allele origin: germline. Study: Canadian Open Genetics Repository.

GeneDx
Classification: Likely benign. Last evaluated: 2015-01-29. Review status: criteria provided, single submitter. Criteria: GeneDx Variant Classification (06012015). Collection method: clinical testing. Allele origin: germline. Affected: yes.
Comment: This variant is considered likely benign or benign based on one or more of the following criteria: it is a conservative change, it occurs at a poorly conserved position in the protein, it is predicted to be benign by multiple in silico algorithms, and/or has population frequency not consistent with disease.

NM_000138.5(FBN1):c.8185A>C (p.Lys2729Gln)

Gene: FBN1 (fibrillin 1; minus strand). Cytogenetic location: 15q21.1.
Variant type: single nucleotide variant.
Coding change: c.8185A>C on transcript NM_000138.5 (MANE Select); coding-DNA position 8185, A replaced by C.
Protein change: p.Lys2729Gln; replaces lysine 2729 with glutamine.
Molecular consequence: missense variant.
Genome position (GRCh38, 1-based): chr15:48,412,610, T>G on the plus strand (A>C on the coding strand, the complement: FBN1 is on the minus strand). VCF-style: chr15-48412610-T-G. GRCh37 (hg19) VCF-style: chr15-48704807-T-G.
Other names: p.K2729Q:AAA>CAA; short protein forms K2729Q.
Identifiers: ClinVar variation 199954 (VCV000199954.50), dbSNP rs370096856, ClinGen allele CA017603.